The following is an entry in ClinVar:

ClinVar aggregate classification (germline): Uncertain significance. Review status: criteria provided, multiple submitters, no conflicts (2 of 4 stars). 2 submissions from 2 submitters: Uncertain significance (2). Last evaluated 2025-03-11.

Allele frequency attached by ClinVar (database versions not stated): 1000 Genomes Project 30x 0.00016.
gnomAD v4.1: 68 of 1,519,486 alleles (0.0045%); highest among the groups gnomAD compares: Non-Finnish European, 0.0057%; no homozygotes.

Submissions (2):

GeneDx
Classification: Uncertain significance. Last evaluated: 2025-03-11. Review status: criteria provided, single submitter. Criteria: GeneDx Variant Classification Process June 2021. Collection method: clinical testing. Allele origin: germline.
Comment: Has not been previously published as pathogenic or benign to our knowledge; In silico analysis supports that this missense variant has a deleterious effect on protein structure/function

Ambry Genetics
Classification: Uncertain significance. Last evaluated: 2024-03-12. Review status: criteria provided, single submitter. Criteria: Ambry Variant Classification Scheme 2023. Collection method: clinical testing. Allele origin: germline.

NM_001367479.1(DNAH14):c.4152C>A (p.Phe1384Leu)

Gene: DNAH14 (dynein axonemal heavy chain 14; plus strand). Cytogenetic location: 1q42.12.
Variant type: single nucleotide variant.
Coding change: c.4152C>A on transcript NM_001367479.1 (MANE Select); coding-DNA position 4152, C replaced by A.
Protein change: p.Phe1384Leu; replaces phenylalanine 1384 with leucine.
Molecular consequence: missense variant.
Genome position (GRCh38, 1-based): chr1:225,119,280, C>A. VCF-style: chr1-225119280-C-A. GRCh37 (hg19) VCF-style: chr1-225306982-C-A.
Other names: NM_001373.1:c.4152C>A; short protein forms F1384L.
Identifiers: ClinVar variation 3083644 (VCV003083644.3), dbSNP rs150618371, ClinGen allele CA1415967.
Genomic context (GRCh38, chr1:225,119,280, plus strand): 5'-GAAAATTCGTGTAAGAAGTGCTGTAGAACAGTGGCTGGTAAATGTAGAAAAAAGCATGTT[C>A]GATGTGCTAAAAAAGTAAGTACAATTTTCAAATCCTAAAATTATATATTTTATATATATA-3'
Protein context (NP_001354408.1, residues 1374-1394): QWLVNVEKSM[Phe1384Leu]DVLKKFLSQG